The following is an entry in ClinVar:

NM_001754.5(RUNX1):c.968C>A (p.Thr323Lys)

Gene: RUNX1 (RUNX family transcription factor 1; minus strand). Cytogenetic location: 21q22.12.
Variant type: single nucleotide variant.
Coding change: c.968C>A on transcript NM_001754.5 (MANE Select); coding-DNA position 968, C replaced by A.
Protein change: p.Thr323Lys; replaces threonine 323 with lysine.
Molecular consequence: missense variant.
Genome position (GRCh38, 1-based): chr21:34,792,610, G>T on the plus strand (C>A on the coding strand, the complement: RUNX1 is on the minus strand). VCF-style: chr21-34792610-G-T. GRCh37 (hg19) VCF-style: chr21-36164907-G-T.
Other names: NM_001754.5(RUNX1):c.968C>A; p.Thr323Lys; c.887C>A, p.Thr296Lys (NM_001001890.3); short protein forms T296K, T323K.
Identifiers: ClinVar variation 864259 (VCV000864259.11), dbSNP rs1039736738, ClinGen allele CA410148832.

ClinVar aggregate classification (germline): Uncertain significance. Review status: reviewed by expert panel (3 of 4 stars). 3 submissions from 3 submitters: Uncertain significance (1). 2 of the submissions do not count toward it. Last evaluated 2024-09-30.

Conditions:
Inborn genetic diseases. Identifiers: MedGen C0950123, MeSH D030342.
Hereditary thrombocytopenia and hematologic cancer predisposition syndrome. Identifiers: Orphanet 71290, MedGen CN281654, MONDO:0011071.
Hereditary thrombocytopenia and hematological cancer predisposition syndrome associated with RUNX1. Also called: RUNX1 Familial Platelet Disorder with Associated Myeloid Malignancies; Familial Platelet Disorder with Propensity to Acute Myelogenous Leukemia; PLATELET DISORDER, ASPIRIN-LIKE; Familial thrombocytopenia with propensity to acute myelogenous leukemia. Identifiers: Orphanet 71290, MedGen C1832388, MeSH C563324, MONDO:0100083, OMIM 601399.

Submissions (3):

ClinGen Myeloid Malignancy Variant Curation Expert Panel
Classification: Uncertain significance for Hereditary thrombocytopenia and hematologic cancer predisposition syndrome. Last evaluated: 2024-09-30. Review status: reviewed by expert panel. Criteria: ClinGen MyeloMalig ACMG Specifications v2. Collection method: curation. Allele origin: germline. Inheritance: Autosomal dominant inheritance.
Comment: NM_001754.5(RUNX1):c.968C>A (p.Thr323Lys) is a missense variant which is completely absent from all population databases with at least 20x coverage for RUNX1 in gnomAD v2.1.1 and v3.1.2 (PM2_supporting). This missense variant has a REVEL score <0.50 (0.04) (BP4). This variant was reported in ClinVar in 2019 by Invitae, but the affected status of the proband is unknown (Variation ID 864259). In summary, the clinical significance of this variant is uncertain. ACMG/AMP criteria applied, as specified by the Myeloid Malignancy Variant Curation Expert Panel for RUNX1: PM2_supporting, BP4.

Ambry Genetics
Classification: Uncertain significance for Inborn genetic diseases. Last evaluated: 2026-04-09. Review status: criteria provided, single submitter. Criteria: Ambry Variant Classification Scheme 2023. Collection method: clinical testing. Allele origin: germline. Not counted in ClinVar's aggregate classification.
Comment: The p.T323K variant (also known as c.968C>A) is located in coding exon 8 of the RUNX1 gene. The threonine at codon 323 is replaced by lysine, an amino acid with similar properties. This change occurs in the first base pair of coding exon 8. This amino acid position is conserved. In addition, this alteration is predicted to be tolerated by in silico analysis. Based on the available evidence, the clinical significance of this variant remains unclear.

Labcorp Genetics (formerly Invitae), Labcorp
Classification: Uncertain significance for Hereditary thrombocytopenia and hematological cancer predisposition syndrome associated with RUNX1. Last evaluated: 2019-02-10. Review status: criteria provided, single submitter. Criteria: Invitae Variant Classification Sherloc (09022015). Collection method: clinical testing. Allele origin: germline. Not counted in ClinVar's aggregate classification.
Comment: This sequence change replaces threonine with lysine at codon 323 of the RUNX1 protein (p.Thr323Lys). The threonine residue is weakly conserved and there is a moderate physicochemical difference between threonine and lysine. This variant is not present in population databases (ExAC no frequency). This variant has not been reported in the literature in individuals with RUNX1-related conditions. Algorithms developed to predict the effect of missense changes on protein structure and function (SIFT, PolyPhen-2, Align-GVGD) all suggest that this variant is likely to be tolerated, but these predictions have not been confirmed by published functional studies and their clinical significance is uncertain. In summary, the available evidence is currently insufficient to determine the role of this variant in disease. Therefore, it has been classified as a Variant of Uncertain Significance.